The following is an entry in ClinVar:

NM_206933.4(USH2A):c.5572+15G>A

Genes: USH2A (usherin; minus strand), USH2A-AS2 (USH2A antisense RNA 2; plus strand). Cytogenetic location: 1q41.
Variant type: single nucleotide variant.
Coding change: c.5572+15G>A on transcript NM_206933.4 (MANE Select); 15 bases into the intron after coding-DNA position 5572, G replaced by A.
Molecular consequence: intron variant.
Genome position (GRCh38, 1-based): chr1:216,078,074, C>T on the plus strand (G>A on the coding strand, the complement: USH2A is on the minus strand). VCF-style: chr1-216078074-C-T. GRCh37 (hg19) VCF-style: chr1-216251416-C-T.
Identifiers: ClinVar variation 48534 (VCV000048534.29), dbSNP rs17026052, ClinGen allele CA143520.

ClinVar aggregate classification (germline): Benign/Likely benign. Review status: criteria provided, multiple submitters, no conflicts (2 of 4 stars). 8 submissions from 7 submitters: Benign (7); Likely benign (1). Last evaluated 2026-01-28.

Conditions:
Retinitis pigmentosa 39 (RP39). Identifiers: Orphanet 791, MedGen C3151138, MONDO:0013436, OMIM 613809.
Usher syndrome type 2A. Also called: RETINAL DISEASE IN USHER SYNDROME TYPE IIA, MODIFIER OF; USHER SYNDROME, TYPE IIA. Identifiers: Orphanet 231178, Orphanet 886, MedGen C1848634, MONDO:0010169, OMIM 276901.

Allele frequency attached by ClinVar (database versions not stated): ExAC 0.00324; gnomAD 0.01126 and 0.01200; 1000 Genomes Project 0.01158; 1000 Genomes Project 30x 0.01171; TOPMed 0.01246; ESP Exome Variant Server 0.01315.
gnomAD v4.1: 3,338 of 1,613,358 alleles (0.21%); highest among the groups gnomAD compares: African/African-American, 4%; 62 homozygotes.

Submissions (8):

Labcorp Genetics (formerly Invitae), Labcorp
Classification: Benign. Last evaluated: 2026-01-28. Review status: criteria provided, single submitter. Criteria: Invitae Variant Classification Sherloc (09022015). Collection method: clinical testing. Allele origin: germline.

Women's Health and Genetics/Laboratory Corporation of America, LabCorp
Classification: Likely benign. Last evaluated: 2025-10-13. Review status: criteria provided, single submitter. Criteria: LabCorp Variant Classification Summary - May 2015. Collection method: clinical testing. Allele origin: germline.

Genome-Nilou Lab
Classification: Benign for Retinitis pigmentosa 39. Last evaluated: 2023-04-11. Review status: criteria provided, single submitter. Criteria: ACMG Guidelines, 2015. Collection method: clinical testing. Allele origin: germline. Affected: no.

Genome-Nilou Lab
Classification: Benign for Usher syndrome type 2A. Last evaluated: 2023-04-11. Review status: criteria provided, single submitter. Criteria: ACMG Guidelines, 2015. Collection method: clinical testing. Allele origin: germline. Affected: no.

ARUP Laboratories, Molecular Genetics and Genomics, ARUP Laboratories
Classification: Benign. Last evaluated: 2022-03-31. Review status: criteria provided, single submitter. Criteria: ARUP Molecular Germline Variant Investigation Process 2021. Collection method: clinical testing. Allele origin: germline.

Fulgent Genetics
Classification: Benign for Usher syndrome type 2A; Retinitis pigmentosa 39. Last evaluated: 2021-09-08. Review status: criteria provided, single submitter. Criteria: ACMG Guidelines, 2015. Collection method: clinical testing. Allele origin: unknown.

GeneDx
Classification: Benign. Last evaluated: 2015-03-03. Review status: criteria provided, single submitter. Criteria: GeneDx Variant Classification Process June 2021. Collection method: clinical testing. Allele origin: germline. Affected: yes.

Laboratory for Molecular Medicine, Mass General Brigham Personalized Medicine
Classification: Benign. Last evaluated: 2012-05-07. Review status: criteria provided, single submitter. Criteria: LMM Criteria. Collection method: clinical testing. Allele origin: germline. Observed: 11 variant alleles.
Comment: 5572+15G>A in Intron 27 of USH2A: This variant is not expected to have clinical significance because it is not located within the conserved splice consensus seq uence and has been identified in 3.8% (142/3738) of African American chromosomes from a broad population by the NHLBI Exome Sequencing Project (dbSNP rs17026052).